The following is an entry in ClinVar:

NM_004304.5(ALK):c.4378G>A (p.Glu1460Lys)

Gene: ALK (ALK receptor tyrosine kinase; minus strand). Cytogenetic location: 2p23.2.
Variant type: single nucleotide variant.
Coding change: c.4378G>A on transcript NM_004304.5 (MANE Select); coding-DNA position 4378, G replaced by A.
Protein change: p.Glu1460Lys; replaces glutamic acid 1460 with lysine.
Molecular consequence: missense variant.
Genome position (GRCh38, 1-based): chr2:29,193,709, C>T on the plus strand (G>A on the coding strand, the complement: ALK is on the minus strand). VCF-style: chr2-29193709-C-T. GRCh37 (hg19) VCF-style: chr2-29416575-C-T.
Other names: c.4378G>A (NM_004304.4); c.1174G>A, p.Glu392Lys (NM_001353765.2); short protein forms E1460K, E392K.
Identifiers: ClinVar variation 1051514 (VCV001051514.10), dbSNP rs2148138533, ClinGen allele CA346462316.

ClinVar aggregate classification (germline): Uncertain significance. Review status: criteria provided, multiple submitters, no conflicts (2 of 4 stars). 2 submissions from 2 submitters: Uncertain significance (2). Last evaluated 2023-09-22.

Conditions:
Neuroblastoma, susceptibility to, 3. Also called: ALK-Related Neuroblastic Tumor Susceptibility. Identifiers: Orphanet 635, MedGen C2751681, MONDO:0013083, OMIM 613014.
Hereditary cancer-predisposing syndrome. Also called: Hereditary Cancer Syndrome; Tumor predisposition; Hereditary neoplastic syndrome; Neoplastic Syndromes, Hereditary. Identifiers: Orphanet 140162, MedGen C0027672, MeSH D009386, MONDO:0015356.

gnomAD v4.1: 1 of 1,609,418 alleles (0.000062%); highest among the groups gnomAD compares: Non-Finnish European, 0.000085%; no homozygotes.

Submissions (2):

Ambry Genetics
Classification: Uncertain significance for Hereditary cancer-predisposing syndrome. Last evaluated: 2023-09-22. Review status: criteria provided, single submitter. Criteria: Ambry Variant Classification Scheme 2023. Collection method: clinical testing. Allele origin: germline.
Comment: The p.E1460K variant (also known as c.4378G>A), located in coding exon 29 of the ALK gene, results from a G to A substitution at nucleotide position 4378. The glutamic acid at codon 1460 is replaced by lysine, an amino acid with similar properties. This amino acid position is conserved. In addition, this alteration is predicted to be tolerated by in silico analysis. Since supporting evidence is limited at this time, the clinical significance of this alteration remains unclear.

Labcorp Genetics (formerly Invitae), Labcorp
Classification: Uncertain significance for Neuroblastoma, susceptibility to, 3. Last evaluated: 2023-07-20. Review status: criteria provided, single submitter. Criteria: Invitae Variant Classification Sherloc (09022015). Collection method: clinical testing. Allele origin: germline.
Comment: ClinVar contains an entry for this variant (Variation ID: 1051514). This variant has not been reported in the literature in individuals affected with ALK-related conditions. This variant is not present in population databases (gnomAD no frequency). This sequence change replaces glutamic acid, which is acidic and polar, with lysine, which is basic and polar, at codon 1460 of the ALK protein (p.Glu1460Lys). In summary, the available evidence is currently insufficient to determine the role of this variant in disease. Therefore, it has been classified as a Variant of Uncertain Significance. An algorithm developed to predict the effect of missense changes on protein structure and function (PolyPhen-2) suggests that this variant is likely to be tolerated.